The following is an entry in ClinVar:

ClinVar aggregate classification (germline): Uncertain significance. Review status: criteria provided, multiple submitters, no conflicts (2 of 4 stars). 2 submissions from 2 submitters: Uncertain significance (2). Last evaluated 2022-08-04.

Conditions:
46,XY sex reversal 9 (SRXY9). Also called: 46,XY SEX REVERSAL, ZFPM2-RELATED. Identifiers: Orphanet 251510, MedGen C4015129, MONDO:0014480, OMIM 616067.

Submissions (2):

GeneDx
Classification: Uncertain significance. Last evaluated: 2022-08-04. Review status: criteria provided, single submitter. Criteria: GeneDx Variant Classification Process June 2021. Collection method: clinical testing. Allele origin: germline. Affected: yes.
Comment: Not observed at significant frequency in large population cohorts (gnomAD); In silico analysis supports that this missense variant has a deleterious effect on protein structure/function; Has not been previously published as pathogenic or benign to our knowledge

Labcorp Genetics (formerly Invitae), Labcorp
Classification: Uncertain significance for 46,XY sex reversal 9. Last evaluated: 2022-07-23. Review status: criteria provided, single submitter. Criteria: Invitae Variant Classification Sherloc (09022015). Collection method: clinical testing. Allele origin: germline.
Comment: This variant has not been reported in the literature in individuals affected with ZFPM2-related conditions. Algorithms developed to predict the effect of missense changes on protein structure and function are either unavailable or do not agree on the potential impact of this missense change (SIFT: "Deleterious"; PolyPhen-2: "Probably Damaging"; Align-GVGD: "Class C0"). In summary, the available evidence is currently insufficient to determine the role of this variant in disease. Therefore, it has been classified as a Variant of Uncertain Significance. This sequence change replaces asparagine, which is neutral and polar, with isoleucine, which is neutral and non-polar, at codon 1109 of the ZFPM2 protein (p.Asn1109Ile). This variant is not present in population databases (gnomAD no frequency).

NM_012082.4(ZFPM2):c.3326A>T (p.Asn1109Ile)

Genes: ZFPM2-AS1 (ZFPM2 antisense RNA 1; minus strand), ZFPM2 (zinc finger protein, FOG family member 2; plus strand), LOC126860469 (BRD4-independent group 4 enhancer GRCh37_chr8:106814445-106815644; plus strand). Cytogenetic location: 8q23.1.
Variant type: single nucleotide variant.
Coding change: c.3326A>T on transcript NM_012082.4 (MANE Select); coding-DNA position 3326, A replaced by T.
Protein change: p.Asn1109Ile; replaces asparagine 1109 with isoleucine.
Molecular consequence: missense variant.
Genome position (GRCh38, 1-based): chr8:105,803,408, A>T. VCF-style: chr8-105803408-A-T. GRCh37 (hg19) VCF-style: chr8-106815636-A-T.
Other names: c.3167A>T, p.Asn1056Ile (NM_001362836.2); c.2930A>T, p.Asn977Ile (NM_001362837.2); c.3326A>T (NM_012082.3); short protein forms N1109I, N977I, N1056I.
Identifiers: ClinVar variation 2063285 (VCV002063285.8), dbSNP rs2488166139, ClinGen allele CA371957208.